The following is an entry in ClinVar:

ClinVar aggregate classification (germline): Likely pathogenic (1 of 4 stars; one submission).

Conditions:
COL3A1-related disorder. Also called: COL3A1-related condition.

Submission:

PreventionGenetics, part of Exact Sciences
Classification: Likely pathogenic for COL3A1-related condition. Last evaluated: 2022-09-09. Review status: criteria provided, single submitter. Criteria: ACMG Guidelines, 2015. Collection method: clinical testing. Allele origin: germline.
Comment: The COL3A1 c.1817G>A variant is predicted to result in the amino acid substitution p.Gly606Asp. To our knowledge, this variant has not been reported in the literature or in a large population database, indicating this variant is rare. However, the majority of documented causative missense variants in COL3A1 substitute a glycine residue to another amino acid in the Gly-X-Y triple helical domain (Pepin et al. 2014. PubMed ID: 24922459). Furthermore, a different missense change impacting the same amino acid residue (p.Gly606Arg) has been reported in an individual with an Ehlers-Danlos syndrome IV phenotype (Supplementary Table 2, Pepin et al. 2014. PubMed ID: 24922459). Taken together, this variant is interpreted as likely pathogenic.

NM_000090.4(COL3A1):c.1817G>A (p.Gly606Asp)

Gene: COL3A1 (collagen type III alpha 1 chain; plus strand). Cytogenetic location: 2q32.2.
Variant type: single nucleotide variant.
Coding change: c.1817G>A on transcript NM_000090.4 (MANE Select); coding-DNA position 1817, G replaced by A.
Protein change: p.Gly606Asp; replaces glycine 606 with aspartic acid.
Molecular consequence: missense variant.
Genome position (GRCh38, 1-based): chr2:188,997,337, G>A. VCF-style: chr2-188997337-G-A. GRCh37 (hg19) VCF-style: chr2-189862063-G-A.
Other names: short protein forms G606D.
Identifiers: ClinVar variation 2636926 (VCV002636926.1), dbSNP rs2469138099, ClinGen allele CA349853370.